The following is an entry in ClinVar:

ClinVar aggregate classification (germline): Uncertain significance (1 of 4 stars; one submission).

Conditions:
Hereditary cancer-predisposing syndrome. Also called: Neoplastic Syndromes, Hereditary; Tumor predisposition; Hereditary Cancer Syndrome; Hereditary neoplastic syndrome. Identifiers: Orphanet 140162, MedGen C0027672, MeSH D009386, MONDO:0015356.

gnomAD v4.1: 1 of 1,613,548 alleles (0.000062%); highest among the groups gnomAD compares: Non-Finnish European, 0.000085%; no homozygotes.

Submission:

Ambry Genetics
Classification: Uncertain significance for Hereditary cancer-predisposing syndrome. Last evaluated: 2026-01-13. Review status: criteria provided, single submitter. Criteria: Ambry Variant Classification Scheme 2023. Collection method: clinical testing. Allele origin: germline.
Comment: The p.S26P variant (also known as c.76T>C), located in coding exon 2 of the SDHB gene, results from a T to C substitution at nucleotide position 76. The serine at codon 26 is replaced by proline, an amino acid with similar properties. This amino acid position is conserved. In addition, the in silico prediction for this alteration is inconclusive. Based on the available evidence, the clinical significance of this variant remains unclear.

NM_003000.3(SDHB):c.76T>C (p.Ser26Pro)

Gene: SDHB (succinate dehydrogenase complex iron sulfur subunit B; minus strand). Cytogenetic location: 1p36.13.
Variant type: single nucleotide variant.
Coding change: c.76T>C on transcript NM_003000.3 (MANE Select); coding-DNA position 76, T replaced by C.
Protein change: p.Ser26Pro; replaces serine 26 with proline.
Molecular consequence: missense variant.
Genome position (GRCh38, 1-based): chr1:17,044,885, A>G on the plus strand (T>C on the coding strand, the complement: SDHB is on the minus strand). VCF-style: chr1-17044885-A-G. GRCh37 (hg19) VCF-style: chr1-17371380-A-G.
Other names: c.76T>C, p.Ser26Pro (NM_001407361.1); short protein forms S26P.
Identifiers: ClinVar variation 4841418 (VCV004841418.1).
Genomic context (GRCh38, chr1:17,044,885, plus strand): 5'-GATAGATGGCAAATTTCTTGATACGGGGAGCTGTGGCTGCAGCTGTCTGGGCTCCTCGGG[A>G]GGCCTGAAATTTTTTAAAGTTCACAAAAAGGAAAAAAAAATTAGAAATACAAGATAATTC-3'
Protein context (NP_002991.2, residues 16-36): TTLGGACLQA[Ser26Pro]RGAQTAAATA